The following is an entry in ClinVar:

NM_004991.4(MECOM):c.1091A>G (p.Lys364Arg)

Gene: MECOM (MDS1 and EVI1 complex locus; minus strand). Cytogenetic location: 3q26.2.
Variant type: single nucleotide variant.
Coding change: c.1091A>G on transcript NM_004991.4 (MANE Select); coding-DNA position 1091, A replaced by G.
Protein change: p.Lys364Arg; replaces lysine 364 with arginine.
Molecular consequence: missense variant.
Genome position (GRCh38, 1-based): chr3:169,121,097, T>C on the plus strand (A>G on the coding strand, the complement: MECOM is on the minus strand). VCF-style: chr3-169121097-T-C. GRCh37 (hg19) VCF-style: chr3-168838885-T-C.
Other names: c.722A>G, p.Lys241Arg (NM_001105077.4); c.527A>G, p.Lys176Arg (NM_001105078.4, NM_001164000.2, NM_001205194.2 and 5 more transcripts); c.530A>G, p.Lys177Arg (NM_001163999.2, NM_001366467.2, NM_001366468.2 and 1 more transcripts); c.1091A>G, p.Lys364Arg (NM_001366466.2, NM_001366473.2); short protein forms K177R, K364R, K241R, K176R.
Identifiers: ClinVar variation 3394335 (VCV003394335.1).

ClinVar aggregate classification (germline): Uncertain significance (1 of 4 stars; one submission).

Conditions:
Inborn genetic diseases. Identifiers: MedGen C0950123, MeSH D030342.

Submission:

Ambry Genetics
Classification: Uncertain significance for Inborn genetic diseases. Last evaluated: 2024-11-28. Review status: criteria provided, single submitter. Criteria: Ambry Variant Classification Scheme 2023. Collection method: clinical testing. Allele origin: germline.
Comment: The p.K364R variant (also known as c.1091A>G), located in coding exon 7 of the MECOM gene, results from an A to G substitution at nucleotide position 1091. The lysine at codon 364 is replaced by arginine, an amino acid with highly similar properties. This amino acid position is conserved. In addition, this alteration is predicted to be tolerated by in silico analysis. Based on the available evidence, the clinical significance of this variant remains unclear.